The following is an entry in ClinVar:

ClinVar aggregate classification (germline): Conflicting classifications of pathogenicity. Review status: criteria provided, conflicting classifications (1 of 4 stars). 5 submissions from 5 submitters: Likely pathogenic (1); Uncertain significance (2). 2 of the submissions do not count toward it. Last evaluated 2024-10-15.

Conditions:
X-linked spondyloepimetaphyseal dysplasia. Identifiers: Orphanet 93349, MedGen C1848097, MONDO:0010248, OMIM 300106.
Meester-Loeys syndrome. Also called: X-linked severe syndromic thoracic aortic aneurysm and dissection. Identifiers: Orphanet 622925, MedGen C4310811, MONDO:0010515, OMIM 300989.
Familial thoracic aortic aneurysm and aortic dissection (TAAD). Also called: Thoracic aortic aneurysms and dissections. Identifiers: Orphanet 91387, MedGen C4707243, MONDO:0019625.
Cardiovascular phenotype. Identifiers: MedGen CN230736.

Submissions (5):

GeneDx
Classification: Uncertain significance. Last evaluated: 2024-10-15. Review status: criteria provided, single submitter. Criteria: GeneDx Variant Classification Process June 2021. Collection method: clinical testing. Allele origin: germline. Affected: yes.
Comment: Not observed at significant frequency in large population cohorts (gnomAD); In silico analysis supports that this missense variant has a deleterious effect on protein structure/function; In silico analysis supports a deleterious effect on splicing; Variants in candidate genes are classified as variants of uncertain significance in accordance with ACMG guidelines (PMID: 25741868); This variant is associated with the following publications: (PMID: 27632686)

Ambry Genetics
Classification: Uncertain significance for Cardiovascular phenotype. Last evaluated: 2024-08-21. Review status: criteria provided, single submitter. Criteria: Ambry Variant Classification Scheme 2023. Collection method: clinical testing. Allele origin: germline.
Comment: The c.238G>A variant (also known as p.G80S), located in coding exon 1 of the BGN gene, results from a G to A substitution at nucleotide position 238. The glycine at codon 80 is replaced by serine, an amino acid with similar properties. However, this change occurs in the last base pair of coding exon 1, which makes it likely to have some effect on normal mRNA splicing. This nucleotide position is highly conserved in available vertebrate species. This amino acid position is well conserved in available vertebrate species. In silico splice site analysis predicts that this alteration will weaken the native splice donor site. In addition, as a missense substitution this is predicted to be inconclusive by in silico analysis. However, loss of function of BGN has not been established as a mechanism of disease. Based on the available evidence, the clinical significance of this alteration remains unclear.

Fulgent Genetics
Classification: Likely pathogenic for X-linked spondyloepimetaphyseal dysplasia; Meester-Loeys syndrome. Last evaluated: 2024-04-01. Review status: criteria provided, single submitter. Criteria: ACMG Guidelines, 2015. Collection method: clinical testing. Allele origin: germline.

OMIM
Classification: Pathogenic for MEESTER-LOEYS SYNDROME. Last evaluated: 2017-05-10. Review status: no assertion criteria provided. Collection method: literature only. Allele origin: germline. Not counted in ClinVar's aggregate classification.

Centre of Medical Genetics, University of Antwerp
Classification: Pathogenic for Syndromal thoracic aortic aneurysm/dissection. Review status: no assertion criteria provided. Collection method: research. Allele origin: maternal. Affected: yes. Not counted in ClinVar's aggregate classification.

Literature cited by the submitters: PubMed 27632686 (cited by 3 submitters); PubMed 38531898 (cited by Ambry Genetics).

NM_001711.6(BGN):c.238G>A (p.Gly80Ser)

Gene: BGN (biglycan; plus strand). Cytogenetic location: Xq28.
Variant type: single nucleotide variant.
Coding change: c.238G>A on transcript NM_001711.6 (MANE Select); coding-DNA position 238, G replaced by A.
Protein change: p.Gly80Ser; replaces glycine 80 with serine.
Molecular consequence: missense variant.
Genome position (GRCh38, 1-based): chrX:153,504,869, G>A. VCF-style: chrX-153504869-G-A. GRCh37 (hg19) VCF-style: chrX-152770327-G-A.
Other names: c.238G>A (NM_001711.4, NM_001711.5); short protein forms G80S.
Identifiers: ClinVar variation 265798 (VCV000265798.5), dbSNP rs886037825, ClinGen allele CA10588833.